The following is an entry in ClinVar:

NM_004006.3(DMD):c.2418A>T (p.Glu806Asp)

Gene: DMD (dystrophin; minus strand). Cytogenetic location: Xp21.1.
Variant type: single nucleotide variant.
Coding change: c.2418A>T on transcript NM_004006.3 (MANE Select); coding-DNA position 2418, A replaced by T.
Protein change: p.Glu806Asp; replaces glutamic acid 806 with aspartic acid.
Molecular consequence: missense variant.
Genome position (GRCh38, 1-based): chrX:32,491,481, T>A on the plus strand (A>T on the coding strand, the complement: DMD is on the minus strand). VCF-style: chrX-32491481-T-A. GRCh37 (hg19) VCF-style: chrX-32509598-T-A.
Other names: c.2394A>T, p.Glu798Asp (NM_000109.4); c.2406A>T, p.Glu802Asp (NM_004009.3); c.2049A>T, p.Glu683Asp (NM_004010.3); short protein forms E806D, E802D, E798D, E683D.
Identifiers: ClinVar variation 573297 (VCV000573297.7), dbSNP rs1569564803, ClinGen allele CA412672868.
Genomic context (GRCh38, chrX:32,491,481, plus strand): 5'-CAGCCAGTTAAGTCTCTCACTTAGCAACTGGCAGAATTCGATCCACCGGCTGTTCAGTTG[T>A]TCTGAGGCTTGTTTGATGCTATCTGCATTAACACCCTCTAGAAAGAAAAAAATAATTAAA-3'
Protein context (NP_003997.2, residues 796-816): VNADSIKQAS[Glu806Asp]QLNSRWIEFC

ClinVar aggregate classification (germline): Uncertain significance. Review status: criteria provided, single submitter (1 of 4 stars). 2 submissions from 2 submitters: Uncertain significance (1). 1 of the submissions does not count toward it. Last evaluated 2022-10-13.

Conditions:
Cardiomyopathy (CMYO). Also called: Cardiomyopathies. Identifiers: Orphanet 167848, MedGen C0878544, MONDO:0004994, HP:0001638. Inheritance: Various modes of inheritance.
Duchenne muscular dystrophy (DMD). Also called: MUSCULAR DYSTROPHY, PSEUDOHYPERTROPHIC PROGRESSIVE, DUCHENNE TYPE; Duchenne Muscular Dystrophy (DMD). Identifiers: Orphanet 98896, MedGen C0013264, MONDO:0010679, OMIM 310200.
Becker muscular dystrophy (BMD). Also called: MUSCULAR DYSTROPHY, PSEUDOHYPERTROPHIC PROGRESSIVE, BECKER TYPE; Becker Muscular Dystrophy (BMD). Identifiers: Orphanet 98895, MedGen C0917713, MONDO:0010311, OMIM 300376.
Dystrophin deficiency.

Allele frequency attached by ClinVar (database versions not stated): gnomAD exomes below 0.00001.
gnomAD v4.1: 4 of 1,211,031 alleles (0.00033%); highest among the groups gnomAD compares: Admixed American, 0.0022%; no homozygotes.

Submissions (2):

Labcorp Genetics (formerly Invitae), Labcorp
Classification: Uncertain significance for Duchenne muscular dystrophy. Last evaluated: 2022-10-13. Review status: criteria provided, single submitter. Criteria: Invitae Variant Classification Sherloc (09022015). Collection method: clinical testing. Allele origin: germline.
Comment: This sequence change replaces glutamic acid, which is acidic and polar, with aspartic acid, which is acidic and polar, at codon 806 of the DMD protein (p.Glu806Asp). This variant is not present in population databases (gnomAD no frequency). This variant has not been reported in the literature in individuals affected with DMD-related conditions. ClinVar contains an entry for this variant (Variation ID: 573297). Advanced modeling of protein sequence and biophysical properties (such as structural, functional, and spatial information, amino acid conservation, physicochemical variation, residue mobility, and thermodynamic stability) performed at Invitae indicates that this missense variant is not expected to disrupt DMD protein function. In summary, the available evidence is currently insufficient to determine the role of this variant in disease. Therefore, it has been classified as a Variant of Uncertain Significance.

Natera, Inc.
Classification: Uncertain significance for Becker muscular dystrophy; Cardiomyopathy; Duchenne muscular dystrophy; Dystrophin deficiency. Last evaluated: 2020-02-29. Review status: no assertion criteria provided. Collection method: clinical testing. Allele origin: germline. Not counted in ClinVar's aggregate classification.